The following is an entry in ClinVar:

ClinVar aggregate classification (germline): Likely benign (0 of 4 stars; one submission).

Conditions:
C8G-related disorder. Also called: C8G-related condition.

Allele frequency attached by ClinVar (database versions not stated): 1000 Genomes Project 30x 0.00016; 1000 Genomes Project 0.00020.

Submission:

PreventionGenetics, part of Exact Sciences
Classification: Likely benign for C8G-related condition. Last evaluated: 2019-04-01. Review status: no assertion criteria provided. Collection method: clinical testing. Allele origin: germline.
Comment: This variant is classified as likely benign based on ACMG/AMP sequence variant interpretation guidelines (Richards et al. 2015 PMID: 25741868, with internal and published modifications).

NM_000606.3(C8G):c.54G>A (p.Ser18=)

Gene: C8G (complement C8 gamma chain; plus strand). Cytogenetic location: 9q34.3.
Variant type: single nucleotide variant.
Coding change: c.54G>A on transcript NM_000606.3 (MANE Select); coding-DNA position 54, G replaced by A.
Protein change: p.Ser18=; no amino-acid change (serine 18 retained).
Molecular consequence: synonymous variant.
Genome position (GRCh38, 1-based): chr9:136,945,374, G>A. VCF-style: chr9-136945374-G-A. GRCh37 (hg19) VCF-style: chr9-139839826-G-A.
Identifiers: ClinVar variation 3057776 (VCV003057776.2), dbSNP rs550971839, ClinGen allele CA5351411.